The following is an entry in ClinVar:

NM_001267550.2(TTN):c.63382A>T (p.Lys21128Ter)

Genes: TTN (titin; minus strand), TTN-AS1 (TTN antisense RNA 1; plus strand). Cytogenetic location: 2q31.2.
Variant type: single nucleotide variant.
Coding change: c.63382A>T on transcript NM_001267550.2 (MANE Select); coding-DNA position 63382, A replaced by T.
Protein change: p.Lys21128Ter; replaces lysine 21128 with a stop codon.
Molecular consequence: nonsense.
Genome position (GRCh38, 1-based): chr2:178,588,025, T>A on the plus strand (A>T on the coding strand, the complement: TTN is on the minus strand). VCF-style: chr2-178588025-T-A. GRCh37 (hg19) VCF-style: chr2-179452752-T-A.
Other names: c.58459A>T, p.Lys19487Ter (NM_001256850.1); c.36187A>T, p.Lys12063Ter (NM_003319.4); c.55678A>T, p.Lys18560Ter (NM_133378.4); c.36562A>T, p.Lys12188Ter (NM_133432.3); c.36763A>T, p.Lys12255Ter (NM_133437.4); short protein forms K12063*, K12188*, K12255*, K18560*, K19487*, K21128*.
Identifiers: ClinVar variation 2672838 (VCV002672838.23), dbSNP rs2049409571, ClinGen allele CA349453158.

ClinVar aggregate classification (germline): Likely pathogenic (1 of 4 stars; one submission).

Submission:

CeGaT Center for Human Genetics Tuebingen
Classification: Likely pathogenic. Last evaluated: 2023-11-01. Review status: criteria provided, single submitter. Criteria: CeGaT Center For Human Genetics Tuebingen Variant Classification Criteria Version 2. Collection method: clinical testing. Allele origin: germline. Affected: yes. Observed: 1 variant allele.
Comment: TTN: PVS1:Strong, PM2